The following is an entry in ClinVar:

NM_019888.3(MC3R):c.45T>A (p.Pro15=)

Gene: MC3R (melanocortin 3 receptor; plus strand). Cytogenetic location: 20q13.2.
Variant type: single nucleotide variant.
Coding change: c.45T>A on transcript NM_019888.3 (MANE Select); coding-DNA position 45, T replaced by A.
Protein change: p.Pro15=; no amino-acid change (proline 15 retained).
Molecular consequence: synonymous variant.
Genome position (GRCh38, 1-based): chr20:56,248,888, T>A. VCF-style: chr20-56248888-T-A. GRCh37 (hg19) VCF-style: chr20-54823944-T-A.
Identifiers: ClinVar variation 3355557 (VCV003355557.1).
Genomic context (GRCh38, chr20:56,248,888, plus strand): 5'-AGCCCTTCTGACAGCAATGAATGCTTCGTGCTGCCTGCCCTCTGTTCAGCCAACACTGCC[T>A]AATGGCTCGGAGCACCTCCAAGCCCCTTTCTTCAGCAACCAGAGCAGCAGCGCCTTCTGT-3'
Protein context (NP_063941.3, residues 5-25): CCLPSVQPTL[Pro15=]NGSEHLQAPF

ClinVar aggregate classification (germline): Likely benign (0 of 4 stars; one submission).

Conditions:
MC3R-related disorder. Also called: MC3R-related condition.

Submission:

PreventionGenetics, part of Exact Sciences
Classification: Likely benign for MC3R-related condition. Last evaluated: 2021-12-28. Review status: no assertion criteria provided. Collection method: clinical testing. Allele origin: germline.
Comment: This variant is classified as likely benign based on ACMG/AMP sequence variant interpretation guidelines (Richards et al. 2015 PMID: 25741868, with internal and published modifications).